The following is an entry in ClinVar:

NM_001848.3(COL6A1):c.2623G>A (p.Val875Met)

Gene: COL6A1 (collagen type VI alpha 1 chain; plus strand). Cytogenetic location: 21q22.3.
Variant type: single nucleotide variant.
Coding change: c.2623G>A on transcript NM_001848.3 (MANE Select); coding-DNA position 2623, G replaced by A.
Protein change: p.Val875Met; replaces valine 875 with methionine.
Molecular consequence: missense variant.
Genome position (GRCh38, 1-based): chr21:46,003,549, G>A. VCF-style: chr21-46003549-G-A. GRCh37 (hg19) VCF-style: chr21-47423463-G-A.
Other names: short protein forms V875M.
Identifiers: ClinVar variation 2700411 (VCV002700411.3), dbSNP rs2526354309, ClinGen allele CA410540080.
Genomic context (GRCh38, chr21:46,003,549, plus strand): 5'-CTGGCCGAGCGCTTCCTCACAGCGGGCAGGACGGACCCCGCCCACGACGTGCGGGTGGCG[G>A]TGGTGCAGTACAGCGGCACGGGCCAGCAGCGCCCAGAGCGGGCGTCGCTGCAGTTCCTGC-3'
Protein context (NP_001839.2, residues 865-885): TDPAHDVRVA[Val875Met]VQYSGTGQQR

ClinVar aggregate classification (germline): Uncertain significance (1 of 4 stars; one submission).

Conditions:
Bethlem myopathy 1A. Also called: MYOPATHY, BENIGN CONGENITAL, WITH CONTRACTURES; Bethlem myopathy 1; Bethlem Muscular Dystrophy. Identifiers: Orphanet 610, MedGen CN029274, MONDO:0024530, OMIM 158810.

gnomAD v4.1: 1 of 1,612,252 alleles (0.000062%); highest among the groups gnomAD compares: Non-Finnish European, 0.000085%; no homozygotes.

Submission:

Labcorp Genetics (formerly Invitae), Labcorp
Classification: Uncertain significance for Bethlem myopathy 1A. Last evaluated: 2023-12-02. Review status: criteria provided, single submitter. Criteria: Invitae Variant Classification Sherloc (09022015). Collection method: clinical testing. Allele origin: germline.
Comment: This sequence change replaces valine, which is neutral and non-polar, with methionine, which is neutral and non-polar, at codon 875 of the COL6A1 protein (p.Val875Met). This variant is not present in population databases (gnomAD no frequency). This variant has not been reported in the literature in individuals affected with COL6A1-related conditions. Advanced modeling of protein sequence and biophysical properties (such as structural, functional, and spatial information, amino acid conservation, physicochemical variation, residue mobility, and thermodynamic stability) performed at Invitae indicates that this missense variant is not expected to disrupt COL6A1 protein function with a negative predictive value of 95%. In summary, the available evidence is currently insufficient to determine the role of this variant in disease. Therefore, it has been classified as a Variant of Uncertain Significance.